The following is an entry in ClinVar:

NM_000540.3(RYR1):c.12108C>T (p.Asn4036=)

Gene: RYR1 (ryanodine receptor 1; plus strand). Cytogenetic location: 19q13.2.
Variant type: single nucleotide variant.
Coding change: c.12108C>T on transcript NM_000540.3 (MANE Select); coding-DNA position 12108, C replaced by T.
Protein change: p.Asn4036=; no amino-acid change (asparagine 4036 retained).
Molecular consequence: synonymous variant.
Genome position (GRCh38, 1-based): chr19:38,548,246, C>T. VCF-style: chr19-38548246-C-T. GRCh37 (hg19) VCF-style: chr19-39038886-C-T.
Other names: c.12093C>T, p.Asn4031= (NM_001042723.2); c.12108C>T (NM_000540.2).
Identifiers: ClinVar variation 1116756 (VCV001116756.36), dbSNP rs189263702, ClinGen allele CA058280.
Genomic context (GRCh38, chr19:38,548,246, plus strand): 5'-CCAGAAGGGAGTGTTCACCGGCCACACTGACCTGGGGCTGCCTGCAGGGAACGTGGTGAA[C>T]GGCATGATCGCCCGGCAGATGGTGGACATGCTCGTGGAATCCTCATCCAATGTGGAGATG-3'
Protein context (NP_000531.2, residues 4026-4046): LLSLLEGNVV[Asn4036=]GMIARQMVDM

ClinVar aggregate classification (germline): Likely benign. Review status: criteria provided, multiple submitters, no conflicts (2 of 4 stars). 4 submissions from 4 submitters: Likely benign (3). 1 of the submissions does not count toward it. Last evaluated 2025-09-14.

Conditions:
RYR1-related disorder. Also called: RYR1-related condition; RYR1-related disorders. Identifiers: MedGen CN239331.
Malignant hyperthermia, susceptibility to, 1 (MHS1). Also called: RYR1-Related Malignant Hyperthermia Susceptibility; Anesthesia related hyperthermia; Malignant hyperpyrexia; Fulminating hyperpyrexia; Pharmacogenic myopathy; Malignant hyperthermia suceptibility 1. Identifiers: Orphanet 423, MedGen C2930980, MONDO:0007783, OMIM 145600.

Allele frequency attached by ClinVar (database versions not stated): gnomAD 0.00001; TOPMed 0.00001; ExAC 0.00003; gnomAD exomes 0.00003; 1000 Genomes Project 30x 0.00016; 1000 Genomes Project 0.00020.
gnomAD v4.1: 52 of 1,614,222 alleles (0.0032%); highest among the groups gnomAD compares: Non-Finnish European, 0.0035%; no homozygotes.

Submissions (4):

Labcorp Genetics (formerly Invitae), Labcorp
Classification: Likely benign for RYR1-related disorder. Last evaluated: 2025-09-14. Review status: criteria provided, single submitter. Criteria: Invitae Variant Classification Sherloc (09022015). Collection method: clinical testing. Allele origin: germline.

Color Diagnostics, LLC DBA Color Health
Classification: Likely benign for Malignant hyperthermia, susceptibility to, 1. Last evaluated: 2023-11-16. Review status: criteria provided, single submitter. Criteria: ACMG Guidelines, 2015. Collection method: clinical testing. Allele origin: germline.

CeGaT Center for Human Genetics Tuebingen
Classification: Likely benign. Last evaluated: 2023-04-01. Review status: criteria provided, single submitter. Criteria: CeGaT Center For Human Genetics Tuebingen Variant Classification Criteria Version 2. Collection method: clinical testing. Allele origin: germline. Affected: yes. Observed: 2 variant alleles.
Comment: RYR1: BP4, BP7

PreventionGenetics, part of Exact Sciences
Classification: Likely benign for RYR1-related condition. Last evaluated: 2022-05-17. Review status: no assertion criteria provided. Collection method: clinical testing. Allele origin: germline. Not counted in ClinVar's aggregate classification.
Comment: This variant is classified as likely benign based on ACMG/AMP sequence variant interpretation guidelines (Richards et al. 2015 PMID: 25741868, with internal and published modifications).